The following is an entry in ClinVar:

NM_001077620.3(PRCD):c.141C>T (p.Gly47=)

Genes: CYGB (cytoglobin; minus strand), PRCD (photoreceptor disc component; plus strand). Cytogenetic location: 17q25.1.
Variant type: single nucleotide variant.
Coding change: c.141C>T on transcript NM_001077620.3 (MANE Select); coding-DNA position 141, C replaced by T.
Protein change: p.Gly47=; no amino-acid change (glycine 47 retained).
Molecular consequence: synonymous variant. On other transcripts: non-coding transcript variant (1).
Genome position (GRCh38, 1-based): chr17:76,540,571, C>T. VCF-style: chr17-76540571-C-T. GRCh37 (hg19) VCF-style: chr17-74536653-C-T.
Identifiers: ClinVar variation 1362646 (VCV001362646.8), dbSNP rs2143145456, ClinGen allele CA501890400.
Genomic context (GRCh38, chr17:76,540,571, plus strand): 5'-CAGCGACGTGGATGGGGCAGCTAGGGGCAGCAGCTTGGATGCGGACCCTCAGTCCTCAGG[C>T]AGGTAAGGCAGGAGTCTGGGCTGGGGGAGGGAGGGTGCTGCCAAGGAAGCTGTGGCTGTG-3'
Protein context (NP_001071088.1, residues 37-54): SSLDADPQSS[Gly47=]REKEPLK

ClinVar aggregate classification (germline): Uncertain significance (1 of 4 stars; one submission).

Submission:

Labcorp Genetics (formerly Invitae), Labcorp
Classification: Uncertain significance. Last evaluated: 2022-02-24. Review status: criteria provided, single submitter. Criteria: Invitae Variant Classification Sherloc (09022015). Collection method: clinical testing. Allele origin: germline.
Comment: This sequence change affects codon 47 of the PRCD mRNA. It is a 'silent' change, meaning that it does not change the encoded amino acid sequence of the PRCD protein. This variant is not present in population databases (gnomAD no frequency). This variant has not been reported in the literature in individuals affected with PRCD-related conditions. Algorithms developed to predict the effect of sequence changes on RNA splicing suggest that this variant may disrupt the consensus splice site. In summary, the available evidence is currently insufficient to determine the role of this variant in disease. Therefore, it has been classified as a Variant of Uncertain Significance.